The following is an entry in ClinVar:

ClinVar aggregate classification (germline): Likely pathogenic (1 of 4 stars; one submission).

Conditions:
Neurodevelopmental disorder with or without autistic features and/or structural brain abnormalities. Identifiers: MedGen C5394311, MONDO:0030024, OMIM 618859.

Submission:

MVZ Medizinische Genetik Mainz
Classification: Likely pathogenic for Neurodevelopmental disorder with or without autistic features and/or structural brain abnormalities. Last evaluated: 2025-09-24. Review status: criteria provided, single submitter. Criteria: UK Practice Guidelines For Variant Classification V4 01 2020. Collection method: clinical testing. Allele origin: germline. Inheritance: Autosomal dominant inheritance. Affected: yes. Observed: 1 variant allele.
Comment: ACMG Criteria: PVS1,PM2_SUP

NM_002516.4(NOVA2):c.656del (p.Gly219fs)

Gene: NOVA2 (NOVA alternative splicing regulator 2; minus strand). Cytogenetic location: 19q13.32.
Variant type: Deletion.
Coding change: c.656del on transcript NM_002516.4 (MANE Select); coding-DNA position 656, one base deleted (G; older notation c.656delG).
Protein change: p.Gly219fs; shifts the reading frame from glycine 219.
Molecular consequence: frameshift variant.
Genome position (GRCh38, 1-based): chr19:45,940,686, C deleted on the plus strand (G on the coding strand, the reverse complement: NOVA2 is on the minus strand); the first of 2 consecutive C bases (chr19:45,940,686-45,940,687); deleting either gives the same sequence. VCF-style (leftmost placement, unchanged base first): chr19-45940685-GC-G. GRCh37 (hg19) VCF-style: chr19-46443943-GC-G.
Other names: short protein forms G219fs.
Identifiers: ClinVar variation 4526493 (VCV004526493.1).